The following is an entry in ClinVar:

NM_006231.4(POLE):c.2215G>A (p.Val739Met)

Gene: POLE (DNA polymerase epsilon, catalytic subunit; minus strand). Cytogenetic location: 12q24.33.
Variant type: single nucleotide variant.
Coding change: c.2215G>A on transcript NM_006231.4 (MANE Select); coding-DNA position 2215, G replaced by A.
Protein change: p.Val739Met; replaces valine 739 with methionine.
Molecular consequence: missense variant.
Genome position (GRCh38, 1-based): chr12:132,667,607, C>T on the plus strand (G>A on the coding strand, the complement: POLE is on the minus strand). VCF-style: chr12-132667607-C-T. GRCh37 (hg19) VCF-style: chr12-133244193-C-T.
Other names: short protein forms V739M.
Identifiers: ClinVar variation 956896 (VCV000956896.9), dbSNP rs2042825999, ClinGen allele CA387352286.
Genomic context (GRCh38, chr12:132,667,607, plus strand): 5'-GCACGGTGTCCACGTAGAAGGAGTTTTCCCGCTGGCAGATGGTGGTGAGACGCTCTTCCA[C>T]CTTGGTGATGTGGATCTTCTTGTAGGCTTTCCGGCAGTAATCTAAGCACGACGGAGATGG-3'
Protein context (NP_006222.2, residues 729-749): KAYKKIHITK[Val739Met]EERLTTICQR

ClinVar aggregate classification (germline): Uncertain significance (1 of 4 stars; one submission).

Submission:

Labcorp Genetics (formerly Invitae), Labcorp
Classification: Uncertain significance. Last evaluated: 2024-03-13. Review status: criteria provided, single submitter. Criteria: Invitae Variant Classification Sherloc (09022015). Collection method: clinical testing. Allele origin: germline.
Comment: This sequence change replaces valine, which is neutral and non-polar, with methionine, which is neutral and non-polar, at codon 739 of the POLE protein (p.Val739Met). This variant is not present in population databases (gnomAD no frequency). This variant has not been reported in the literature in individuals affected with POLE-related conditions. ClinVar contains an entry for this variant (Variation ID: 956896). Advanced modeling of protein sequence and biophysical properties (such as structural, functional, and spatial information, amino acid conservation, physicochemical variation, residue mobility, and thermodynamic stability) performed at Invitae indicates that this missense variant is not expected to disrupt POLE protein function with a negative predictive value of 80%. In summary, the available evidence is currently insufficient to determine the role of this variant in disease. Therefore, it has been classified as a Variant of Uncertain Significance.